The following is an entry in ClinVar:

NM_001312909.2(FAM111A):c.526A>G (p.Lys176Glu)

Gene: FAM111A (FAM111 trypsin like peptidase A; plus strand). Cytogenetic location: 11q12.1.
Variant type: single nucleotide variant.
Coding change: c.526A>G on transcript NM_001312909.2 (MANE Select); coding-DNA position 526, A replaced by G.
Protein change: p.Lys176Glu; replaces lysine 176 with glutamic acid.
Molecular consequence: missense variant.
Genome position (GRCh38, 1-based): chr11:59,152,194, A>G. VCF-style: chr11-59152194-A-G. GRCh37 (hg19) VCF-style: chr11-58919667-A-G.
Other names: c.526A>G, p.Lys176Glu (NM_001142519.3, NM_001142520.3, NM_001142521.3 and 29 more transcripts); short protein forms K176E.
Identifiers: ClinVar variation 1957294 (VCV001957294.5), dbSNP rs2496284143, ClinGen allele CA380774230.

ClinVar aggregate classification (germline): Uncertain significance (1 of 4 stars; one submission).

Allele frequency attached by ClinVar (database versions not stated): gnomAD exomes below 0.00001.
gnomAD v4.1: 2 of 1,614,192 alleles (0.00012%); highest among the groups gnomAD compares: Non-Finnish European, 0.00017%; no homozygotes.

Submission:

Labcorp Genetics (formerly Invitae), Labcorp
Classification: Uncertain significance. Last evaluated: 2022-03-12. Review status: criteria provided, single submitter. Criteria: Invitae Variant Classification Sherloc (09022015). Collection method: clinical testing. Allele origin: germline.
Comment: In summary, the available evidence is currently insufficient to determine the role of this variant in disease. Therefore, it has been classified as a Variant of Uncertain Significance. Algorithms developed to predict the effect of missense changes on protein structure and function output the following: SIFT: "Tolerated"; PolyPhen-2: "Benign"; Align-GVGD: "Class C0". The glutamic acid amino acid residue is found in multiple mammalian species, which suggests that this missense change does not adversely affect protein function. This variant has not been reported in the literature in individuals affected with FAM111A-related conditions. This variant is not present in population databases (gnomAD no frequency). This sequence change replaces lysine, which is basic and polar, with glutamic acid, which is acidic and polar, at codon 176 of the FAM111A protein (p.Lys176Glu).